The following is an entry in ClinVar:

ClinVar aggregate classification (germline): Pathogenic (1 of 4 stars; one submission).

Conditions:
Ehlers-Danlos syndrome, dermatosparaxis type. Also called: EDS VIIC; Dermatosparaxis; Ehlers-Danlos syndrome, type VII, autosomal recessive. Identifiers: Orphanet 1901, MedGen C2700425, MONDO:0009161, OMIM 225410.

Submission:

Myriad Genetics, Inc.
Classification: Pathogenic for Ehlers-Danlos syndrome, dermatosparaxis type. Last evaluated: 2024-05-14. Review status: criteria provided, single submitter. Criteria: Myriad Autosomal Dominant, Autosomal Recessive and X-Linked Classification Criteria (2023). Collection method: clinical testing. Allele origin: unknown.
Comment: NM_014244.4(ADAMTS2):c.95_96insAG(P33Gfs*133) is expected to be pathogenic in the context of Ehlers-Danlos syndrome, ADAMTS2-related. This variant is predicted to lead to an abnormal or absent protein product due to the creation of a premature termination codon in ADAMTS2, a gene where loss-of-function variants are known to be pathogenic. Please note: this variant was assessed in the context of healthy population screening.

NM_014244.5(ADAMTS2):c.95_96insAG (p.Pro33fs)

Gene: ADAMTS2 (ADAM metallopeptidase with thrombospondin type 1 motif 2; minus strand). Cytogenetic location: 5q35.3.
Variant type: Insertion.
Coding change: c.95_96insAG on transcript NM_014244.5 (MANE Select); coding-DNA positions 95 to 96, AG inserted.
Protein change: p.Pro33fs; shifts the reading frame from proline 33.
Molecular consequence: frameshift variant.
Genome position: GRCh38 VCF-style: chr5-179345233-C-CCT. GRCh37 (hg19) VCF-style: chr5-178772234-C-CCT.
Other names: c.95_96insAG, p.Pro33fs (NM_021599.4); short protein forms P33fs.
Identifiers: ClinVar variation 5010852 (VCV005010852.1).